The following is an entry in ClinVar:

NM_000540.3(RYR1):c.4052C>T (p.Thr1351Ile)

Gene: RYR1 (ryanodine receptor 1; plus strand). Cytogenetic location: 19q13.2.
Variant type: single nucleotide variant.
Coding change: c.4052C>T on transcript NM_000540.3 (MANE Select); coding-DNA position 4052, C replaced by T.
Protein change: p.Thr1351Ile; replaces threonine 1351 with isoleucine.
Molecular consequence: missense variant.
Genome position (GRCh38, 1-based): chr19:38,473,663, C>T. VCF-style: chr19-38473663-C-T. GRCh37 (hg19) VCF-style: chr19-38964303-C-T.
Other names: c.4052C>T, p.Thr1351Ile (NM_001042723.2); short protein forms T1351I.
Identifiers: ClinVar variation 4744271 (VCV004744271.1).

ClinVar aggregate classification (germline): Uncertain significance (1 of 4 stars; one submission).

Conditions:
RYR1-related disorder. Also called: RYR1-related condition; RYR1-related disorders. Identifiers: MedGen CN239331.

Submission:

Labcorp Genetics (formerly Invitae), Labcorp
Classification: Uncertain significance for RYR1-related disorder. Last evaluated: 2025-09-07. Review status: criteria provided, single submitter. Criteria: Invitae Variant Classification Sherloc (09022015). Collection method: clinical testing. Allele origin: germline.
Comment: This sequence change replaces threonine, which is neutral and polar, with isoleucine, which is neutral and non-polar, at codon 1351 of the RYR1 protein (p.Thr1351Ile). This variant is not present in population databases (gnomAD no frequency). This variant has not been reported in the literature in individuals affected with RYR1-related conditions. Invitae Evidence Modeling of protein sequence and biophysical properties (such as structural, functional, and spatial information, amino acid conservation, physicochemical variation, residue mobility, and thermodynamic stability) indicates that this missense variant is not expected to disrupt RYR1 protein function with a negative predictive value of 95%. In summary, the available evidence is currently insufficient to determine the role of this variant in disease. Therefore, it has been classified as a Variant of Uncertain Significance.